The following is an entry in ClinVar:

NM_000321.3(RB1):c.2107-12T>C

Gene: RB1 (RB transcriptional corepressor 1; plus strand). Cytogenetic location: 13q14.2.
Variant type: single nucleotide variant.
Coding change: c.2107-12T>C on transcript NM_000321.3 (MANE Select); 12 bases into the intron before coding-DNA position 2107, T replaced by C.
Molecular consequence: intron variant.
Genome position (GRCh38, 1-based): chr13:48,463,719, T>C. VCF-style: chr13-48463719-T-C. GRCh37 (hg19) VCF-style: chr13-49037855-T-C.
Identifiers: ClinVar variation 1588669 (VCV001588669.10), dbSNP rs1399272353, ClinGen allele CA609585245.

ClinVar aggregate classification (germline): Likely benign. Review status: criteria provided, multiple submitters, no conflicts (2 of 4 stars). 3 submissions from 3 submitters: Likely benign (3). Last evaluated 2026-06-22.

Conditions:
Retinoblastoma (RB1). Also called: RETINOBLASTOMA, SOMATIC. Identifiers: Orphanet 790, MedGen C0035335, MeSH D012175, MONDO:0008380, OMIM 180200, HP:0009919. Disease mechanism: loss of function. Inheritance: Both sporadic and heritable forms are tested..

Allele frequency attached by ClinVar (database versions not stated): gnomAD exomes below 0.00001; gnomAD 0.00001; TOPMed 0.00001.
gnomAD v4.1: 3 of 1,416,662 alleles (0.00021%); highest among the groups gnomAD compares: African/African-American, 0.0028%; no homozygotes.

Submissions (3):

Myriad Genetics, Inc.
Classification: Likely benign for Retinoblastoma. Last evaluated: 2026-06-22. Review status: criteria provided, single submitter. Criteria: Myriad Autosomal Dominant, Autosomal Recessive and X-Linked Classification Criteria (2023). Collection method: clinical testing. Allele origin: unknown.
Comment: This variant is considered likely benign. This variant is intronic and is not expected to impact mRNA splicing.

Labcorp Genetics (formerly Invitae), Labcorp
Classification: Likely benign for Retinoblastoma. Last evaluated: 2026-01-28. Review status: criteria provided, single submitter. Criteria: Invitae Variant Classification Sherloc (09022015). Collection method: clinical testing. Allele origin: germline.

All of Us Research Program, National Institutes of Health
Classification: Likely benign for Retinoblastoma. Last evaluated: 2023-10-02. Review status: criteria provided, single submitter. Criteria: ACMG Guidelines, 2015. Collection method: clinical testing. Allele origin: germline. Inheritance: Autosomal dominant inheritance. Observed: 2 variant alleles, 2 heterozygotes.
Comment: This study involves interpretation of variants in research participants for the purpose of population health screening. Participant phenotype was not available at the time of variant classification. Additional details can be found in publication PMID: 35346344, PMCID: PMC8962531